The following is an entry in ClinVar:

ClinVar aggregate classification (germline): Likely pathogenic (0 of 4 stars; one submission).

Conditions:
NFKB2-related disorder. Also called: NFKB2-related condition.

Submission:

PreventionGenetics, part of Exact Sciences
Classification: Likely pathogenic for NFKB2-related condition. Last evaluated: 2024-09-13. Review status: no assertion criteria provided. Collection method: clinical testing. Allele origin: germline.
Comment: The NFKB2 c.2173C>T variant is predicted to result in premature protein termination (p.Arg725*). To our knowledge, this variant has not been reported in the literature. It has not been reported in individuals in a large population database in gnomAD v2; however, the quality of this data is questionable and should be treated with caution. It has been reported in 1 allele of of 1611538 alleles in gnomAD v4 (available only on GRCh38). Nonsense variants in NFKB2 are expected to be pathogenic. This variant is interpreted as likely pathogenic.

NM_001322934.2(NFKB2):c.2173C>T (p.Arg725Ter)

Gene: NFKB2 (nuclear factor kappa B subunit 2; plus strand). Cytogenetic location: 10q24.32.
Variant type: single nucleotide variant.
Coding change: c.2173C>T on transcript NM_001322934.2 (MANE Select); coding-DNA position 2173, C replaced by T.
Protein change: p.Arg725Ter; replaces arginine 725 with a stop codon.
Molecular consequence: nonsense.
Genome position (GRCh38, 1-based): chr10:102,401,281, C>T. VCF-style: chr10-102401281-C-T. GRCh37 (hg19) VCF-style: chr10-104161038-C-T.
Other names: c.2173C>T, p.Arg725Ter (NM_001077493.1, NM_001077494.3, NM_001261403.3 and 2 more transcripts); c.2047C>T, p.Arg683Ter (NM_001322935.1); short protein forms R683*, R725*.
Identifiers: ClinVar variation 2632365 (VCV002632365.2), dbSNP rs747113965, ClinGen allele CA377904258.